The following is an entry in ClinVar:

NM_001267550.2(TTN):c.100766-1G>T

Genes: TTN (titin; minus strand), TTN-AS1 (TTN antisense RNA 1; plus strand). Cytogenetic location: 2q31.2.
Variant type: single nucleotide variant.
Coding change: c.100766-1G>T on transcript NM_001267550.2 (MANE Select); the canonical splice acceptor site of the intron before coding-DNA position 100766, G replaced by T.
Molecular consequence: splice acceptor variant.
Genome position (GRCh38, 1-based): chr2:178,535,850, C>A on the plus strand (G>T on the coding strand, the complement: TTN is on the minus strand). VCF-style: chr2-178535850-C-A. GRCh37 (hg19) VCF-style: chr2-179400577-C-A.
Other names: c.73571-1G>T (NM_003319.4); c.74147-1G>T (NM_133437.4); c.73946-1G>T (NM_133432.3); c.93062-1G>T (NM_133378.4); c.95843-1G>T (NM_001256850.1).
Identifiers: ClinVar variation 1704617 (VCV001704617.5), dbSNP rs185589320, ClinGen allele CA1985981.

ClinVar aggregate classification (germline): Likely pathogenic. Review status: criteria provided, multiple submitters, no conflicts (2 of 4 stars). 3 submissions from 3 submitters: Likely pathogenic (3). Last evaluated 2025-03-03.

Conditions:
Dilated cardiomyopathy 1G (CMD1G). Identifiers: Orphanet 154, MedGen C1858763, MONDO:0011400, OMIM 604145.
Autosomal recessive limb-girdle muscular dystrophy type 2J (LGMDR10). Also called: Limb-girdle muscular dystrophy, type 2J; MUSCULAR DYSTROPHY, LIMB-GIRDLE, AUTOSOMAL RECESSIVE 10. Identifiers: Orphanet 140922, MedGen C1837342, MONDO:0012127, OMIM 608807.

Allele frequency attached by ClinVar (database versions not stated): ExAC 0.00001; 1000 Genomes Project 0.00020; 1000 Genomes Project 30x 0.00031.

Submissions (3):

Variantyx, Inc.
Classification: Likely pathogenic for Dilated cardiomyopathy 1G. Last evaluated: 2025-03-03. Review status: criteria provided, single submitter. Criteria: Variantyx Assertion Criteria 2022. Collection method: clinical testing. Allele origin: germline. Inheritance: Autosomal dominant inheritance. Affected: yes.
Comment: This is a canonical splicing variant in the TTN gene (OMIM: 188840). Pathogenic variants in this gene have been associated with autosomal dominant dilated cardiomyopathy 1G. This variant is located in the A-band region of titin (PMID: 25589632, 38938651) and is expected to result in loss of function, which is a known disease mechanism for TTN (PMID: 27869827, 33226272) (PVS1). It has been reported in at least one affected individual (PMID: 38938651) (PS4), and has a 0.0029% maximum allele frequency in non-founder control populations (PM2). Inheritance from an unaffected parent or a parent with unknown affected status has been reported, consistent with incomplete penetrance (PMID: 25589632, 22763267, 25589632). Based on the current evidence, this variant is classified as likely pathogenic for autosomal dominant dilated cardiomyopathy 1G.

Labcorp Genetics (formerly Invitae), Labcorp
Classification: Likely pathogenic for Dilated cardiomyopathy 1G; Autosomal recessive limb-girdle muscular dystrophy type 2J. Last evaluated: 2023-12-23. Review status: criteria provided, single submitter. Criteria: Invitae Variant Classification Sherloc (09022015). Collection method: clinical testing. Allele origin: germline.
Comment: This sequence change affects an acceptor splice site in intron 357 of the TTN gene. It is expected to disrupt RNA splicing and likely results in a truncated or disrupted TTN protein. This variant is not present in population databases (gnomAD no frequency). This variant has not been reported in the literature in individuals affected with TTN-related conditions. ClinVar contains an entry for this variant (Variation ID: 1704617). Algorithms developed to predict the effect of sequence changes on RNA splicing suggest that this variant may disrupt the consensus splice site. This variant is located in the A band of TTN (PMID: 25589632). Truncating variants in this region are significantly overrepresented in patients affected with dilated cardiomyopathy (PMID: 25589632). Truncating variants in this region have also been reported in individuals affected with autosomal recessive centronuclear myopathy (PMID: 23975875). In summary, the currently available evidence indicates that the variant is pathogenic, but additional data are needed to prove that conclusively. Therefore, this variant has been classified as Likely Pathogenic.

Women's Health and Genetics/Laboratory Corporation of America, LabCorp
Classification: Likely pathogenic for Autosomal recessive limb-girdle muscular dystrophy type 2J. Last evaluated: 2022-07-29. Review status: criteria provided, single submitter. Criteria: LabCorp Variant Classification Summary - May 2015. Collection method: clinical testing. Allele origin: germline.
Comment: Variant summary: TTN c.93062-1G>T is located in a canonical splice-site and is predicted to affect mRNA splicing resulting in a significantly altered protein due to either exon skipping, shortening, or inclusion of intronic material. Several computational tools predict a significant impact on normal splicing: Four predict the variant abolishes a canonical 3' acceptor site, with three of them also predicting that it creates/strengthens a cryptic exonic one. However, these predictions have yet to be confirmed by functional studies. The variant is located in intron 306, 1bp upstream from exon 307 in the M-band region of the titin protein. This exon has a PSI (percentage spliced in) value of 1.00 and is asymmetrical, therefore removal of the exon will alter the reading frame (Roberts_2015). TTN-truncating variants in exons that are constitutively expressed (PSI >0.9) have been associated with disease (e.g. Roberts_2015, Haggerty_2019). The variant was absent in 169206 control chromosomes (gnomAD). To our knowledge, no occurrence of c.93062-1G>T in individuals affected TTN-related disorders and no experimental evidence demonstrating its impact on protein function have been reported. No clinical diagnostic laboratories have submitted clinical-significance assessments for this variant to ClinVar after 2014. Based on the evidence outlined above, the variant was classified as likely pathogenic.

Literature cited by the submitters: PubMed 25589632 (cited by 3 submitters); PubMed 38938651 (cited by Variantyx, Inc.); PubMed 27869827 (cited by Variantyx, Inc.); PubMed 33226272 (cited by Variantyx, Inc.); PubMed 23975875 (cited by Labcorp Genetics (formerly Invitae), Labcorp); PubMed 31216868 (cited by Women's Health and Genetics/Laboratory Corporation of America, LabCorp).